The following is an entry in ClinVar:

ClinVar aggregate classification (germline): Benign. Review status: criteria provided, multiple submitters, no conflicts (2 of 4 stars). 2 submissions from 2 submitters: Benign (2). Last evaluated 2018-06-19.

Allele frequency attached by ClinVar (database versions not stated): gnomAD exomes 0.00624 and 0.00261; ExAC 0.01338; 1000 Genomes Project 0.02396; gnomAD 0.02684 and 0.02902; ESP Exome Variant Server 0.02857; TOPMed 0.02957.
gnomAD v4.1: 7,755 of 1,512,404 alleles (0.51%); highest among the groups gnomAD compares: African/African-American, 9.5%; 337 homozygotes.

Submissions (2):

GeneDx
Classification: Benign. Last evaluated: 2018-06-19. Review status: criteria provided, single submitter. Criteria: GeneDx Variant Classification (06012015). Collection method: clinical testing. Allele origin: germline. Affected: yes.
Comment: This variant is considered likely benign or benign based on one or more of the following criteria: it is a conservative change, it occurs at a poorly conserved position in the protein, it is predicted to be benign by multiple in silico algorithms, and/or has population frequency not consistent with disease.

Breakthrough Genomics
Classification: Benign. Review status: criteria provided, single submitter. Criteria: ACMG Guidelines, 2015. Collection method: not provided. Allele origin: germline. Inheritance: Autosomal dominant inheritance. Affected: yes.

NM_020822.3(KCNT1):c.1619+38C>T

Gene: KCNT1 (potassium sodium-activated channel subfamily T member 1; plus strand). Cytogenetic location: 9q34.3.
Variant type: single nucleotide variant.
Coding change: c.1619+38C>T on transcript NM_020822.3 (MANE Select); 38 bases into the intron after coding-DNA position 1619, C replaced by T.
Molecular consequence: intron variant.
Genome position (GRCh38, 1-based): chr9:135,770,093, C>T. VCF-style: chr9-135770093-C-T. GRCh37 (hg19) VCF-style: chr9-138661939-C-T.
Other names: c.1484+38C>T (NM_001272003.2).
Identifiers: ClinVar variation 677345 (VCV000677345.2), dbSNP rs112428005, ClinGen allele CA5326980.
Genomic context (GRCh38, chr9:135,770,093, plus strand): 5'-CTGGTGCACACGTCCCGCGGCCAGTGAGTGCCCCGTGCCCCGGGGGACCGACCTCCATGG[C>T]GGGGCCGGCGCAGGGAGACAACGCAGGGCCTGCTTGGGGGCGGGGATGGGCTTCCCAGAG-3'